The following is an entry in ClinVar:

ClinVar aggregate classification (germline): Uncertain significance (1 of 4 stars; one submission).

Conditions:
Hereditary cancer-predisposing syndrome. Also called: Neoplastic Syndromes, Hereditary; Tumor predisposition; Hereditary neoplastic syndrome; Hereditary Cancer Syndrome. Identifiers: Orphanet 140162, MedGen C0027672, MeSH D009386, MONDO:0015356.

gnomAD v4.1: 2 of 1,614,006 alleles (0.00012%); highest among the groups gnomAD compares: Non-Finnish European, 0.00017%; no homozygotes.

Submission:

Ambry Genetics
Classification: Uncertain significance for Hereditary cancer-predisposing syndrome. Last evaluated: 2026-07-07. Review status: criteria provided, single submitter. Criteria: Ambry Variant Classification Scheme 2023. Collection method: clinical testing. Allele origin: germline.
Comment: The p.D208N variant (also known as c.622G>A), located in coding exon 6 of the BMPR1A gene, results from a G to A substitution at nucleotide position 622. The aspartic acid at codon 208 is replaced by asparagine, an amino acid with highly similar properties. This amino acid position is conserved. In addition, the in silico prediction for this alteration is inconclusive. Based on the available evidence, the clinical significance of this variant remains unclear.

NM_004329.3(BMPR1A):c.622G>A (p.Asp208Asn)

Gene: BMPR1A (bone morphogenetic protein receptor type 1A; plus strand). Cytogenetic location: 10q23.2.
Variant type: single nucleotide variant.
Coding change: c.622G>A on transcript NM_004329.3 (MANE Select); coding-DNA position 622, G replaced by A.
Protein change: p.Asp208Asn; replaces aspartic acid 208 with asparagine.
Molecular consequence: missense variant. On other transcripts: non-coding transcript variant (3), intron variant (1).
Genome position (GRCh38, 1-based): chr10:86,912,331, G>A. VCF-style: chr10-86912331-G-A. GRCh37 (hg19) VCF-style: chr10-88672088-G-A.
Other names: c.697G>A, p.Asp233Asn (NM_001406559.1); c.670G>A, p.Asp224Asn (NM_001406560.1); c.622G>A, p.Asp208Asn (NM_001406561.1, NM_001406562.1, NM_001406563.1 and 20 more transcripts); c.538G>A, p.Asp180Asn (NM_001406584.1, NM_001406585.1, NM_001406586.1 and 2 more transcripts); c.334-4803G>A (NM_001406589.1); short protein forms D180N, D208N, D224N, D233N.
Identifiers: ClinVar variation 5032999 (VCV005032999.1).